The following is an entry in ClinVar:

NM_004369.4(COL6A3):c.5642G>A (p.Arg1881His)

Gene: COL6A3 (collagen type VI alpha 3 chain; minus strand). Cytogenetic location: 2q37.3.
Variant type: single nucleotide variant.
Coding change: c.5642G>A on transcript NM_004369.4 (MANE Select); coding-DNA position 5642, G replaced by A.
Protein change: p.Arg1881His; replaces arginine 1881 with histidine.
Molecular consequence: missense variant.
Genome position (GRCh38, 1-based): chr2:237,365,894, C>T on the plus strand (G>A on the coding strand, the complement: COL6A3 is on the minus strand). VCF-style: chr2-237365894-C-T. GRCh37 (hg19) VCF-style: chr2-238274537-C-T.
Other names: c.3821G>A, p.Arg1274His (NM_057166.5); c.5024G>A, p.Arg1675His (NM_057167.4); short protein forms R1274H, R1675H, R1881H.
Identifiers: ClinVar variation 1010496 (VCV001010496.11), dbSNP rs748330667, ClinGen allele CA2188618.

ClinVar aggregate classification (germline): Uncertain significance (1 of 4 stars; one submission).

Conditions:
Bethlem myopathy 1A. Also called: Bethlem Muscular Dystrophy; MYOPATHY, BENIGN CONGENITAL, WITH CONTRACTURES; Bethlem myopathy 1. Identifiers: Orphanet 610, MedGen CN029274, MONDO:0024530, OMIM 158810.

Allele frequency attached by ClinVar (database versions not stated): gnomAD exomes below 0.00001 and 0.00001; gnomAD 0.00001; ExAC 0.00002.
gnomAD v4.1: 12 of 1,614,010 alleles (0.00074%); highest among the groups gnomAD compares: African/African-American, 0.0013%; no homozygotes.

Submission:

Labcorp Genetics (formerly Invitae), Labcorp
Classification: Uncertain significance for Bethlem myopathy 1A. Last evaluated: 2023-05-24. Review status: criteria provided, single submitter. Criteria: Invitae Variant Classification Sherloc (09022015). Collection method: clinical testing. Allele origin: germline.
Comment: Advanced modeling of protein sequence and biophysical properties (such as structural, functional, and spatial information, amino acid conservation, physicochemical variation, residue mobility, and thermodynamic stability) performed at Invitae indicates that this missense variant is not expected to disrupt COL6A3 protein function. In summary, the available evidence is currently insufficient to determine the role of this variant in disease. Therefore, it has been classified as a Variant of Uncertain Significance. ClinVar contains an entry for this variant (Variation ID: 1010496). This variant has not been reported in the literature in individuals affected with COL6A3-related conditions. This variant is present in population databases (rs748330667, gnomAD 0.005%). This sequence change replaces arginine, which is basic and polar, with histidine, which is basic and polar, at codon 1881 of the COL6A3 protein (p.Arg1881His).